The following is an entry in ClinVar:

ClinVar aggregate classification (germline): Uncertain significance (1 of 4 stars; one submission).

Conditions:
Werner syndrome (WRN). Identifiers: Orphanet 902, MedGen C0043119, MONDO:0010196, OMIM 277700.

Allele frequency attached by ClinVar (database versions not stated): ExAC 0.00002.

Submission:

Labcorp Genetics (formerly Invitae), Labcorp
Classification: Uncertain significance for Werner syndrome. Last evaluated: 2023-06-25. Review status: criteria provided, single submitter. Criteria: Invitae Variant Classification Sherloc (09022015). Collection method: clinical testing. Allele origin: germline.
Comment: In summary, the available evidence is currently insufficient to determine the role of this variant in disease. Therefore, it has been classified as a Variant of Uncertain Significance. An algorithm developed to predict the effect of missense changes on protein structure and function (PolyPhen-2) suggests that this variant is likely to be disruptive. This variant has not been reported in the literature in individuals affected with WRN-related conditions. This sequence change replaces glutamine, which is neutral and polar, with glutamic acid, which is acidic and polar, at codon 605 of the WRN protein (p.Gln605Glu). This variant is present in population databases (rs753701726, gnomAD 0.002%).

NM_000553.6(WRN):c.1813C>G (p.Gln605Glu)

Gene: WRN (WRN RecQ like helicase; plus strand). Cytogenetic location: 8p12.
Variant type: single nucleotide variant.
Coding change: c.1813C>G on transcript NM_000553.6 (MANE Select); coding-DNA position 1813, C replaced by G.
Protein change: p.Gln605Glu; replaces glutamine 605 with glutamic acid.
Molecular consequence: missense variant.
Genome position (GRCh38, 1-based): chr8:31,090,926, C>G. VCF-style: chr8-31090926-C-G. GRCh37 (hg19) VCF-style: chr8-30948442-C-G.
Other names: short protein forms Q605E.
Identifiers: ClinVar variation 2728541 (VCV002728541.3), dbSNP rs753701726, ClinGen allele CA4704489.
Genomic context (GRCh38, chr8:31,090,926, plus strand): 5'-CCTGTTTATGTAGGCAAGATTGGCCTTGTTATCTCTCCCCTTATTTCTCTGATGGAAGAC[C>G]AAGTGCTACAGCTTAAGTAAGTCATGTTATCATTGCCACAATATCACCCTCTTTTTTTCT-3'
Protein context (NP_000544.2, residues 595-615): ISPLISLMED[Gln605Glu]VLQLKMSNIP